The following is an entry in ClinVar:

ClinVar aggregate classification (germline): Benign. Review status: criteria provided, multiple submitters, no conflicts (2 of 4 stars). 4 submissions from 4 submitters: Benign (3). 1 of the submissions does not count toward it. Last evaluated 2022-09-16.

Conditions:
ARSL-related disorder. Also called: ARSL-related condition.
Connective tissue disorder. Also called: Connective tissue disease. Identifiers: MedGen C0009782, MONDO:0003900.
X-linked chondrodysplasia punctata 1 (CDPX1). Also called: Chondrodysplasia punctata, X-linked recessive; CHONDRODYSPLASIA PUNCTATA, BRACHYTELEPHALANGIC. Identifiers: Orphanet 79345, MedGen C3669395, MONDO:0010555, OMIM 302950.

Submissions (4):

ARUP Laboratories, Molecular Genetics and Genomics, ARUP Laboratories
Classification: Benign for X-linked chondrodysplasia punctata 1. Last evaluated: 2022-09-16. Review status: criteria provided, single submitter. Criteria: ARUP Molecular Germline Variant Investigation Process 2021. Collection method: clinical testing. Allele origin: germline.

Genome Diagnostics Laboratory, The Hospital for Sick Children
Classification: Benign for Connective tissue disorder. Last evaluated: 2022-02-10. Review status: criteria provided, single submitter. Criteria: ACMG Guidelines, 2015. Collection method: clinical testing. Allele origin: germline.

GeneDx
Classification: Benign. Last evaluated: 2018-06-08. Review status: criteria provided, single submitter. Criteria: GeneDx Variant Classification Process June 2021. Collection method: clinical testing. Allele origin: germline. Affected: yes.

PreventionGenetics, part of Exact Sciences
Classification: Benign for ARSL-related condition. Last evaluated: 2019-04-02. Review status: no assertion criteria provided. Collection method: clinical testing. Allele origin: germline. Not counted in ClinVar's aggregate classification.
Comment: This variant is classified as benign based on ACMG/AMP sequence variant interpretation guidelines (Richards et al. 2015 PMID: 25741868, with internal and published modifications).

NM_000047.3(ARSL):c.-14GA[3]

Gene: ARSL (arylsulfatase L; minus strand). Cytogenetic location: Xp22.33.
Variant type: Microsatellite.
Coding change: c.-14GA[3] on transcript NM_000047.3 (MANE Select); three copies in a row of the 2-base unit GA starting at c.-14; the reference has five copies in a row; two copies, 4 bases deleted.
Molecular consequence: 5 prime UTR variant. On other transcripts: frameshift variant (1).
Genome position (GRCh38, 1-based): chrX:2,960,405-2,960,408, TCTC deleted on the plus strand (GAGA on the coding strand, the reverse complement: ARSL is on the minus strand); deleting any 4 consecutive bases within chrX:2,960,405-2,960,415 gives the same sequence; the position shown is the placement nearest the transcript's 3' end. VCF-style (leftmost placement, unchanged base first): chrX-2960404-GTCTC-G. GRCh37 (hg19) VCF-style: chrX-2878445-GTCTC-G.
Other names: c.-225GA[3] (NM_001282628.2, NM_001369080.1); c.-14GA[3] (NM_001282631.2); c.20_23del, p.Arg7fs (NM_001369079.1); c.-8_-5delGAGA (NM_000047.2); c.20_23delGAGA (NM_001282631.1); short protein forms R7fs.
Identifiers: ClinVar variation 254741 (VCV000254741.20), dbSNP rs200332753, ClinGen allele CA10338295.